The following is an entry in ClinVar:

NM_001365276.2(TNXB):c.1499A>G (p.Asp500Gly)

Gene: TNXB (tenascin XB; minus strand). Cytogenetic location: 6p21.33.
Variant type: single nucleotide variant.
Coding change: c.1499A>G on transcript NM_001365276.2 (MANE Select); coding-DNA position 1499, A replaced by G.
Protein change: p.Asp500Gly; replaces aspartic acid 500 with glycine.
Molecular consequence: missense variant.
Genome position (GRCh38, 1-based): chr6:32,096,354, T>C on the plus strand (A>G on the coding strand, the complement: TNXB is on the minus strand). VCF-style: chr6-32096354-T-C. GRCh37 (hg19) VCF-style: chr6-32064131-T-C.
Other names: c.1499A>G, p.Asp500Gly (NM_019105.8); short protein forms D500G.
Identifiers: ClinVar variation 2565739 (VCV002565739.2), dbSNP rs1239116042, ClinGen allele CA363480657.

ClinVar aggregate classification (germline): Uncertain significance (1 of 4 stars; one submission).

Conditions:
Cardiovascular phenotype. Identifiers: MedGen CN230736.

Allele frequency attached by ClinVar (database versions not stated): gnomAD exomes below 0.00001; gnomAD 0.00001.
gnomAD v4.1: 8 of 1,553,028 alleles (0.00052%); highest among the groups gnomAD compares: South Asian, 0.0094%; no homozygotes.

Submission:

Ambry Genetics
Classification: Uncertain significance for Cardiovascular phenotype. Last evaluated: 2023-05-11. Review status: criteria provided, single submitter. Criteria: Ambry Variant Classification Scheme 2023. Collection method: clinical testing. Allele origin: germline.
Comment: The p.D500G variant (also known as c.1499A>G), located in coding exon 2 of the TNXB gene, results from an A to G substitution at nucleotide position 1499. The aspartic acid at codon 500 is replaced by glycine, an amino acid with similar properties. This amino acid position is conserved. In addition, this alteration is predicted to be tolerated by in silico analysis. Since supporting evidence is limited at this time, the clinical significance of this alteration remains unclear.